The following is an entry in ClinVar:

ClinVar aggregate classification (germline): Uncertain significance (1 of 4 stars; one submission).

Submission:

GeneDx
Classification: Uncertain significance. Last evaluated: 2025-07-01. Review status: criteria provided, single submitter. Criteria: GeneDx Variant Classification Process June 2021. Collection method: clinical testing. Allele origin: germline. Affected: yes.
Comment: Frameshift variant predicted to result in protein truncation or nonsense mediated decay in a gene or region of a gene for which loss of function is not a well-established mechanism of disease; Not observed at significant frequency in large population cohorts (gnomAD); Has not been previously published as pathogenic or benign to our knowledge

NM_000701.8(ATP1A1):c.1589del (p.Leu530fs)

Genes: ATP1A1 (ATPase Na+/K+ transporting subunit alpha 1; plus strand), ATP1A1-AS1 (ATP1A1 antisense RNA 1; minus strand). Cytogenetic location: 1p13.1.
Variant type: Deletion.
Coding change: c.1589del on transcript NM_000701.8 (MANE Select); coding-DNA position 1589, one base deleted (T; older notation c.1589delT).
Protein change: p.Leu530fs; shifts the reading frame from leucine 530.
Molecular consequence: frameshift variant.
Genome position (GRCh38, 1-based): chr1:116,393,652, T deleted. VCF-style (leftmost placement, unchanged base first): chr1-116393651-CT-C. GRCh37 (hg19) VCF-style: chr1-116936273-CT-C.
Other names: c.1589del, p.Leu530fs (NM_001160233.2); c.1496del, p.Leu499fs (NM_001160234.2); short protein forms L499fs, L530fs.
Identifiers: ClinVar variation 4680990 (VCV004680990.1).